The following is an entry in ClinVar:

NM_181840.1(KCNK18):c.493C>T (p.Arg165Trp)

Gene: KCNK18 (potassium two pore domain channel subfamily K member 18; plus strand). Cytogenetic location: 10q25.3.
Variant type: single nucleotide variant.
Coding change: c.493C>T on transcript NM_181840.1 (MANE Select); coding-DNA position 493, C replaced by T.
Protein change: p.Arg165Trp; replaces arginine 165 with tryptophan.
Molecular consequence: missense variant.
Genome position (GRCh38, 1-based): chr10:117,209,637, C>T. VCF-style: chr10-117209637-C-T. GRCh37 (hg19) VCF-style: chr10-118969148-C-T.
Other names: short protein forms R165W.
Identifiers: ClinVar variation 2858125 (VCV002858125.5), dbSNP rs115251364, ClinGen allele CA5709998.

ClinVar aggregate classification (germline): Benign. Review status: criteria provided, single submitter (1 of 4 stars). 2 submissions from 2 submitters: Benign (1). 1 of the submissions does not count toward it. Last evaluated 2026-01-16.

Conditions:
KCNK18-related disorder. Also called: KCNK18-related condition.

Allele frequency attached by ClinVar (database versions not stated): 1000 Genomes Project 0.00319; ExAC 0.00078; gnomAD 0.00273; 1000 Genomes Project 30x 0.00312; ESP Exome Variant Server 0.00338.
gnomAD v4.1: 867 of 1,614,172 alleles (0.054%); highest among the groups gnomAD compares: African/African-American, 1%; 7 homozygotes.

Submissions (2):

Labcorp Genetics (formerly Invitae), Labcorp
Classification: Benign. Last evaluated: 2026-01-16. Review status: criteria provided, single submitter. Criteria: Invitae Variant Classification Sherloc (09022015). Collection method: clinical testing. Allele origin: germline.

PreventionGenetics, part of Exact Sciences
Classification: Benign for KCNK18-related condition. Last evaluated: 2019-10-28. Review status: no assertion criteria provided. Collection method: clinical testing. Allele origin: germline. Not counted in ClinVar's aggregate classification.
Comment: This variant is classified as benign based on ACMG/AMP sequence variant interpretation guidelines (Richards et al. 2015 PMID: 25741868, with internal and published modifications).